The following is an entry in ClinVar:

NC_000005.10:g.(?_70951931)_(70952001_?)del

Gene: SMN1 (survival of motor neuron 1, telomeric). Cytogenetic location: 5q13.2.
Variant type: Deletion.
Identifiers: ClinVar variation 651822 (VCV000651822.3).

ClinVar aggregate classification (germline): Pathogenic (1 of 4 stars; one submission).

Conditions:
Spinal muscular atrophy (SMA). Identifiers: MedGen C0026847, MeSH D009134, MONDO:0001516, HP:0007269.

Submission:

Labcorp Genetics (formerly Invitae), Labcorp
Classification: Pathogenic for Spinal muscular atrophy. Last evaluated: 2022-11-03. Review status: criteria provided, single submitter. Criteria: Invitae Variant Classification Sherloc (09022015). Collection method: clinical testing. Allele origin: germline.
Comment: This variant is a gross deletion of the genomic region encompassing exon 8 (conventionally referred to as exon 7) of the SMN1 gene. Due to the sequence similarity between other exons of SMN1 and SMN2, the presence of this variant is used to infer a whole-gene deletion of SMN1. This variant is clearly defined as a spinal muscular atrophy (SMA) causative allele (PMID: 11839954, 18572081). It has been reported in the homozygous state in approximately 96.4% of individuals affected with 5q13-linked SMA, and in the compound heterozygous state with a second loss-of-function SMN1 allele in the remaining 3.6% of affected individuals (PMID: 10679938). For these reasons, this variant has been classified as Pathogenic.

Literature cited by the submitters: PubMed 11839954; PubMed 18572081; PubMed 10679938.